The following is an entry in ClinVar:

ClinVar aggregate classification (germline): Uncertain significance. Review status: criteria provided, multiple submitters, no conflicts (2 of 4 stars). 2 submissions from 2 submitters: Uncertain significance (2). Last evaluated 2025-03-02.

Conditions:
Inborn genetic diseases. Identifiers: MedGen C0950123, MeSH D030342.

Allele frequency attached by ClinVar (database versions not stated): gnomAD exomes below 0.00001.
gnomAD v4.1: 2 of 1,614,156 alleles (0.00012%); highest among the groups gnomAD compares: Non-Finnish European, 0.00017%; no homozygotes.

Submissions (2):

Ambry Genetics
Classification: Uncertain significance for Inborn genetic diseases. Last evaluated: 2025-03-02. Review status: criteria provided, single submitter. Criteria: Ambry Variant Classification Scheme 2023. Collection method: clinical testing. Allele origin: germline.
Comment: The p.S519F variant (also known as c.1556C>T), located in coding exon 7 of the SH2B3 gene, results from a C to T substitution at nucleotide position 1556. The serine at codon 519 is replaced by phenylalanine, an amino acid with highly dissimilar properties. This amino acid position is conserved. In addition, this alteration is predicted to be tolerated by in silico analysis. Based on the available evidence, the clinical significance of this variant remains unclear.

CeGaT Center for Human Genetics Tuebingen
Classification: Uncertain significance. Last evaluated: 2024-03-01. Review status: criteria provided, single submitter. Criteria: CeGaT Center For Human Genetics Tuebingen Variant Classification Criteria Version 2. Collection method: clinical testing. Allele origin: germline. Affected: yes. Observed: 1 variant allele.
Comment: SH2B3: PM2:Supporting, BP4

NM_005475.3(SH2B3):c.1556C>T (p.Ser519Phe)

Gene: SH2B3 (SH2B adaptor protein 3; plus strand). Cytogenetic location: 12q24.12.
Variant type: single nucleotide variant.
Coding change: c.1556C>T on transcript NM_005475.3 (MANE Select); coding-DNA position 1556, C replaced by T.
Protein change: p.Ser519Phe; replaces serine 519 with phenylalanine.
Molecular consequence: missense variant.
Genome position (GRCh38, 1-based): chr12:111,448,130, C>T. VCF-style: chr12-111448130-C-T. GRCh37 (hg19) VCF-style: chr12-111885934-C-T.
Other names: c.950C>T, p.Ser317Phe (NM_001291424.1); short protein forms S317F, S519F.
Identifiers: ClinVar variation 3067470 (VCV003067470.22), dbSNP rs1418415269, ClinGen allele CA386713296.
Genomic context (GRCh38, chr12:111,448,130, plus strand): 5'-CCCACCTTAGTTCTTCTGGCTGTCCCCGGGGGCTCAGCCCAGAGGGTCTCCCAGGGCGAT[C>T]CTCACCCCCCGAGCAGATCTTCCACCTGGTGCCTTCGCCCGAAGAACTGGCCAACAGCCT-3'
Protein context (NP_005466.1, residues 509-529): GLSPEGLPGR[Ser519Phe]SPPEQIFHLV